The following is an entry in ClinVar:

NM_001942.4(DSG1):c.2158A>G (p.Ile720Val)

Genes: DSG1 (desmoglein 1; plus strand), DSG1-AS1 (DSG1 antisense RNA 1; minus strand), LOC126862720 (MED14-independent group 3 enhancer GRCh37_chr18:28933613-28934812; plus strand). Cytogenetic location: 18q12.1.
Variant type: single nucleotide variant.
Coding change: c.2158A>G on transcript NM_001942.4 (MANE Select); coding-DNA position 2158, A replaced by G.
Protein change: p.Ile720Val; replaces isoleucine 720 with valine.
Molecular consequence: missense variant. On other transcripts: non-coding transcript variant (1).
Genome position (GRCh38, 1-based): chr18:31,354,354, A>G. VCF-style: chr18-31354354-A-G. GRCh37 (hg19) VCF-style: chr18-28934317-A-G.
Other names: c.2158A>G (NM_001942.2); short protein forms I720V.
Identifiers: ClinVar variation 1427868 (VCV001427868.7), dbSNP rs748372394, ClinGen allele CA8926299.

ClinVar aggregate classification (germline): Uncertain significance. Review status: criteria provided, multiple submitters, no conflicts (2 of 4 stars). 2 submissions from 2 submitters: Uncertain significance (2). Last evaluated 2025-12-01.

Conditions:
Inborn genetic diseases. Identifiers: MedGen C0950123, MeSH D030342.

Allele frequency attached by ClinVar (database versions not stated): ExAC 0.00001; gnomAD exomes 0.00003 and 0.00004; TOPMed 0.00003; gnomAD 0.00005 and 0.00006.
gnomAD v4.1: 52 of 1,614,222 alleles (0.0032%); highest among the groups gnomAD compares: Middle Eastern, 0.016%; no homozygotes.

Submissions (2):

Labcorp Genetics (formerly Invitae), Labcorp
Classification: Uncertain significance. Last evaluated: 2025-12-01. Review status: criteria provided, single submitter. Criteria: Invitae Variant Classification Sherloc (09022015). Collection method: clinical testing. Allele origin: germline.
Comment: This sequence change replaces isoleucine, which is neutral and non-polar, with valine, which is neutral and non-polar, at codon 720 of the DSG1 protein (p.Ile720Val). This variant is present in population databases (rs748372394, gnomAD 0.006%). This variant has not been reported in the literature in individuals affected with DSG1-related conditions. ClinVar contains an entry for this variant (Variation ID: 1427868). Invitae Evidence Modeling of protein sequence and biophysical properties (such as structural, functional, and spatial information, amino acid conservation, physicochemical variation, residue mobility, and thermodynamic stability) indicates that this missense variant is not expected to disrupt DSG1 protein function with a negative predictive value of 80%. In summary, the available evidence is currently insufficient to determine the role of this variant in disease. Therefore, it has been classified as a Variant of Uncertain Significance.

Ambry Genetics
Classification: Uncertain significance for Inborn genetic diseases. Last evaluated: 2024-06-17. Review status: criteria provided, single submitter. Criteria: Ambry Variant Classification Scheme 2023. Collection method: clinical testing. Allele origin: germline.